The following is an entry in ClinVar:

ClinVar aggregate classification (germline): Uncertain significance. Review status: criteria provided, single submitter (1 of 4 stars). 2 submissions from 2 submitters: Uncertain significance (1). 1 of the submissions does not count toward it. Last evaluated 2022-03-17.

Conditions:
DENND5A-related disorder. Also called: DENND5A-related condition.

Allele frequency attached by ClinVar (database versions not stated): gnomAD exomes below 0.00001; TOPMed below 0.00001.

Submissions (2):

Labcorp Genetics (formerly Invitae), Labcorp
Classification: Uncertain significance. Last evaluated: 2022-03-17. Review status: criteria provided, single submitter. Criteria: Invitae Variant Classification Sherloc (09022015). Collection method: clinical testing. Allele origin: germline.
Comment: In summary, the available evidence is currently insufficient to determine the role of this variant in disease. Therefore, it has been classified as a Variant of Uncertain Significance. Algorithms developed to predict the effect of sequence changes on RNA splicing suggest that this variant is not likely to affect RNA splicing. This variant has not been reported in the literature in individuals affected with DENND5A-related conditions. This variant is not present in population databases (gnomAD no frequency). This sequence change affects codon 869 of the DENND5A mRNA. It is a 'silent' change, meaning that it does not change the encoded amino acid sequence of the DENND5A protein. It affects a nucleotide within the consensus splice site.

PreventionGenetics, part of Exact Sciences
Classification: Likely benign for DENND5A-related condition. Last evaluated: 2019-02-28. Review status: no assertion criteria provided. Collection method: clinical testing. Allele origin: germline. Not counted in ClinVar's aggregate classification.
Comment: This variant is classified as likely benign based on ACMG/AMP sequence variant interpretation guidelines (Richards et al. 2015 PMID: 25741868, with internal and published modifications).

NM_015213.4(DENND5A):c.2607G>A (p.Arg869=)

Gene: DENND5A (DENN domain containing 5A; minus strand). Cytogenetic location: 11p15.4.
Variant type: single nucleotide variant.
Coding change: c.2607G>A on transcript NM_015213.4 (MANE Select); coding-DNA position 2607, G replaced by A.
Protein change: p.Arg869=; no amino-acid change (arginine 869 retained).
Molecular consequence: synonymous variant. On other transcripts: non-coding transcript variant (1).
Genome position (GRCh38, 1-based): chr11:9,150,209, C>T on the plus strand (G>A on the coding strand, the complement: DENND5A is on the minus strand). VCF-style: chr11-9150209-C-T. GRCh37 (hg19) VCF-style: chr11-9171756-C-T.
Other names: c.2607G>A (NM_015213.3); c.2607G>A, p.Arg869= (NM_001243254.2, NM_001348748.1); c.2535G>A, p.Arg845= (NM_001348749.2); c.2319G>A, p.Arg773= (NM_001348750.2).
Identifiers: ClinVar variation 2158234 (VCV002158234.6), dbSNP rs1847569813, ClinGen allele CA473042976.